The following is an entry in ClinVar:

NM_024422.6(DSC2):c.354+5A>G

Gene: DSC2 (desmocollin 2; minus strand). Cytogenetic location: 18q12.1.
Variant type: single nucleotide variant.
Coding change: c.354+5A>G on transcript NM_024422.6 (MANE Select); 5 bases into the intron after coding-DNA position 354, A replaced by G.
Molecular consequence: intron variant.
Genome position (GRCh38, 1-based): chr18:31,092,096, T>C on the plus strand (A>G on the coding strand, the complement: DSC2 is on the minus strand). VCF-style: chr18-31092096-T-C. GRCh37 (hg19) VCF-style: chr18-28672059-T-C.
Other names: c.354+5A>G (NM_004949.5); c.-76+5A>G (NM_001406506.1, NM_001406507.1).
Identifiers: ClinVar variation 4720861 (VCV004720861.1).

ClinVar aggregate classification (germline): Uncertain significance (1 of 4 stars; one submission).

Conditions:
Arrhythmogenic right ventricular dysplasia 11. Also called: ARRHYTHMOGENIC RIGHT VENTRICULAR DYSPLASIA, FAMILIAL, 11; Arrhythmogenic Right Ventricular Dysplasia/Cardiomyopathy11; Arrhythmogenic right ventricular dysplasia 11 with mild palmoplantar keratoderma and woolly hair. Identifiers: MedGen C1864850, MONDO:0012506, OMIM 610476.

Submission:

Labcorp Genetics (formerly Invitae), Labcorp
Classification: Uncertain significance for Arrhythmogenic right ventricular dysplasia 11. Last evaluated: 2025-06-06. Review status: criteria provided, single submitter. Criteria: Invitae Variant Classification Sherloc (09022015). Collection method: clinical testing. Allele origin: germline.
Comment: This sequence change falls in intron 3 of the DSC2 gene. It does not directly change the encoded amino acid sequence of the DSC2 protein. It affects a nucleotide within the consensus splice site. This variant is not present in population databases (gnomAD no frequency). This variant has not been reported in the literature in individuals affected with DSC2-related conditions. Variants that disrupt the consensus splice site are a relatively common cause of aberrant splicing (PMID: 17576681, 9536098). Algorithms developed to predict the effect of sequence changes on RNA splicing suggest that this variant is not likely to affect RNA splicing. In summary, the available evidence is currently insufficient to determine the role of this variant in disease. Therefore, it has been classified as a Variant of Uncertain Significance.

Literature cited by the submitters: PubMed 17576681; PubMed 9536098.